The following is an entry in ClinVar:

NM_182914.3(SYNE2):c.1875C>T (p.His625=)

Gene: SYNE2 (spectrin repeat containing nuclear envelope protein 2; plus strand). Cytogenetic location: 14q23.2.
Variant type: single nucleotide variant.
Coding change: c.1875C>T on transcript NM_182914.3 (MANE Select); coding-DNA position 1875, C replaced by T.
Protein change: p.His625=; no amino-acid change (histidine 625 retained).
Molecular consequence: synonymous variant.
Genome position (GRCh38, 1-based): chr14:63,982,668, C>T. VCF-style: chr14-63982668-C-T. GRCh37 (hg19) VCF-style: chr14-64449386-C-T.
Other names: c.1875C>T, p.His625= (NM_015180.6).
Identifiers: ClinVar variation 1088049 (VCV001088049.32), dbSNP rs372968718, ClinGen allele CA7219542.
Genomic context (GRCh38, chr14:63,982,668, plus strand): 5'-GTGTTGCTTGTGTATCATGTAGGTACCCTTTGAGACACTAGCCCAGTGGAATCTAGAACA[C>T]GCTACTTTAAATGAAGCAGGAAATTTCTTAGTCGAAGTCAGCAATGATGTGGTTGGATCA-3'
Protein context (NP_878918.2, residues 615-635): FETLAQWNLE[His625=]ATLNEAGNFL

ClinVar aggregate classification (germline): Likely benign. Review status: criteria provided, multiple submitters, no conflicts (2 of 4 stars). 2 submissions from 2 submitters: Likely benign (2). Last evaluated 2025-12-18.

Conditions:
Emery-Dreifuss muscular dystrophy 5, autosomal dominant (EDMD5). Also called: EMERY-DREIFUSS MUSCULAR DYSTROPHY 5. Identifiers: Orphanet 261, MedGen C2751805, MONDO:0013072, OMIM 612999.

Allele frequency attached by ClinVar (database versions not stated): gnomAD 0.00005 and 0.00006; ESP Exome Variant Server 0.00008; TOPMed 0.00008; ExAC 0.00010; gnomAD exomes 0.00011 and 0.00012.
gnomAD v4.1: 184 of 1,613,884 alleles (0.011%); highest among the groups gnomAD compares: Admixed American, 0.025%; no homozygotes.

Submissions (2):

Labcorp Genetics (formerly Invitae), Labcorp
Classification: Likely benign for Emery-Dreifuss muscular dystrophy 5, autosomal dominant. Last evaluated: 2025-12-18. Review status: criteria provided, single submitter. Criteria: Invitae Variant Classification Sherloc (09022015). Collection method: clinical testing. Allele origin: germline.

CeGaT Center for Human Genetics Tuebingen
Classification: Likely benign. Last evaluated: 2023-02-01. Review status: criteria provided, single submitter. Criteria: CeGaT Center For Human Genetics Tuebingen Variant Classification Criteria Version 2. Collection method: clinical testing. Allele origin: germline. Affected: yes. Observed: 1 variant allele.
Comment: SYNE2: BP4, BP7